The following is an entry in ClinVar:

ClinVar aggregate classification (germline): Uncertain significance (1 of 4 stars; one submission).

Conditions:
Charcot-Marie-Tooth disease type 2. Also called: Charcot-Marie-Tooth type 2. Identifiers: Orphanet 64746, MedGen C0270914, MONDO:0018993.

Submission:

Labcorp Genetics (formerly Invitae), Labcorp
Classification: Uncertain significance for Charcot-Marie-Tooth disease type 2. Last evaluated: 2024-12-09. Review status: criteria provided, single submitter. Criteria: Invitae Variant Classification Sherloc (09022015). Collection method: clinical testing. Allele origin: germline.
Comment: This sequence change replaces alanine, which is neutral and non-polar, with serine, which is neutral and polar, at codon 652 of the AARS protein (p.Ala652Ser). This variant is not present in population databases (gnomAD no frequency). This variant has not been reported in the literature in individuals affected with AARS-related conditions. Invitae Evidence Modeling of protein sequence and biophysical properties (such as structural, functional, and spatial information, amino acid conservation, physicochemical variation, residue mobility, and thermodynamic stability) indicates that this missense variant is not expected to disrupt AARS protein function with a negative predictive value of 95%. In summary, the available evidence is currently insufficient to determine the role of this variant in disease. Therefore, it has been classified as a Variant of Uncertain Significance.

NM_001605.3(AARS1):c.1954G>T (p.Ala652Ser)

Gene: AARS1 (alanyl-tRNA synthetase 1; minus strand). Cytogenetic location: 16q22.1.
Variant type: single nucleotide variant.
Coding change: c.1954G>T on transcript NM_001605.3 (MANE Select); coding-DNA position 1954, G replaced by T.
Protein change: p.Ala652Ser; replaces alanine 652 with serine.
Molecular consequence: missense variant.
Genome position (GRCh38, 1-based): chr16:70,259,018, C>A on the plus strand (G>T on the coding strand, the complement: AARS1 is on the minus strand). VCF-style: chr16-70259018-C-A. GRCh37 (hg19) VCF-style: chr16-70292921-C-A.
Other names: short protein forms A652S.
Identifiers: ClinVar variation 3719419 (VCV003719419.2).
Genomic context (GRCh38, chr16:70,259,018, plus strand): 5'-ATTCAGCCGTCGCCCATCCTACCTTGGCTGCCTCAATCATCTCATTAGCAATCTCTTCAG[C>A]CTTCTTGATCTGTTGGGTGGACATGGCTCCCTTGGCAGTAAAGTCAAATCTGAGGCGGTC-3'
Protein context (NP_001596.2, residues 642-662): GAMSTQQIKK[Ala652Ser]EEIANEMIEA